The following is an entry in ClinVar:

ClinVar aggregate classification (germline): Uncertain significance (1 of 4 stars; one submission).

Conditions:
Kabuki syndrome. Also called: Kabuki make-up syndrome; NIIKAWA-KUROKI SYNDROME. Identifiers: Orphanet 2322, MedGen C0796004, MONDO:0016512.

Submission:

Labcorp Genetics (formerly Invitae), Labcorp
Classification: Uncertain significance for Kabuki syndrome. Last evaluated: 2021-06-01. Review status: criteria provided, single submitter. Criteria: Invitae Variant Classification Sherloc (09022015). Collection method: clinical testing. Allele origin: germline.
Comment: Advanced modeling of protein sequence and biophysical properties (such as structural, functional, and spatial information, amino acid conservation, physicochemical variation, residue mobility, and thermodynamic stability) performed at Invitae indicates that this missense variant is not expected to disrupt KMT2D protein function. In summary, the available evidence is currently insufficient to determine the role of this variant in disease. Therefore, it has been classified as a Variant of Uncertain Significance. This variant has not been reported in the literature in individuals with KMT2D-related conditions. This variant is not present in population databases (ExAC no frequency). This sequence change replaces glutamic acid with valine at codon 122 of the KMT2D protein (p.Glu122Val). The glutamic acid residue is moderately conserved and there is a moderate physicochemical difference between glutamic acid and valine.

NM_003482.4(KMT2D):c.365A>T (p.Glu122Val)

Gene: KMT2D (lysine methyltransferase 2D; minus strand). Cytogenetic location: 12q13.12.
Variant type: single nucleotide variant.
Coding change: c.365A>T on transcript NM_003482.4 (MANE Select); coding-DNA position 365, A replaced by T.
Protein change: p.Glu122Val; replaces glutamic acid 122 with valine.
Molecular consequence: missense variant.
Genome position (GRCh38, 1-based): chr12:49,054,563, T>A on the plus strand (A>T on the coding strand, the complement: KMT2D is on the minus strand). VCF-style: chr12-49054563-T-A. GRCh37 (hg19) VCF-style: chr12-49448346-T-A.
Other names: short protein forms E122V.
Identifiers: ClinVar variation 1495764 (VCV001495764.8), dbSNP rs2120710804, ClinGen allele CA384688072.